The following is an entry in ClinVar:

NM_003289.4(TPM2):c.433G>A (p.Glu145Lys)

Gene: TPM2 (tropomyosin 2; minus strand). Cytogenetic location: 9p13.3.
Variant type: single nucleotide variant.
Coding change: c.433G>A on transcript NM_003289.4 (MANE Select); coding-DNA position 433, G replaced by A.
Protein change: p.Glu145Lys; replaces glutamic acid 145 with lysine.
Molecular consequence: missense variant.
Genome position (GRCh38, 1-based): chr9:35,685,493, C>T on the plus strand (G>A on the coding strand, the complement: TPM2 is on the minus strand). VCF-style: chr9-35685493-C-T. GRCh37 (hg19) VCF-style: chr9-35685490-C-T.
Other names: c.433G>A, p.Glu145Lys (NM_001301226.2, NM_001301227.2, NM_213674.1); short protein forms E145K.
Identifiers: ClinVar variation 3776330 (VCV003776330.2).
Genomic context (GRCh38, chr9:35,685,493, plus strand): 5'-CCTCTTCATATTTGCGGTCTGAATCCTCAGCGATGTGCTTGGCCTCCTTCAGCTGCATCT[C>T]CTGCAGTTCCATCTTCTCCTCATCCTTCATGGCCCGGTTTTCGATGACCTTCATTCCTCT-3'
Protein context (NP_003280.2, residues 135-155): MKDEEKMELQ[Glu145Lys]MQLKEAKHIA

ClinVar aggregate classification (germline): Likely pathogenic. Review status: criteria provided, multiple submitters, no conflicts (2 of 4 stars). 2 submissions from 2 submitters: Likely pathogenic (2). Last evaluated 2024-10-02.

Conditions:
TPM2-related disorder. Also called: TPM2-related condition; TPM2-related disorders.

Submissions (2):

GeneDx
Classification: Likely pathogenic. Last evaluated: 2024-10-02. Review status: criteria provided, single submitter. Criteria: GeneDx Variant Classification Process June 2021. Collection method: clinical testing. Allele origin: germline. Affected: yes.
Comment: Missense variants in this gene are a common cause of disease and they are underrepresented in the general population; Not observed at significant frequency in large population cohorts (gnomAD); In silico analysis supports that this missense variant has a deleterious effect on protein structure/function; This variant is associated with the following publications: (PMID: 23401156)

Blueprint Genetics
Classification: Likely pathogenic for TPM2-related disorders. Last evaluated: 2022-07-15. Review status: criteria provided, single submitter. Criteria: ACMG Guidelines, 2015. Collection method: clinical testing. Allele origin: germline. Affected: yes. Observed: 2 variant alleles.